The following is an entry in ClinVar:

ClinVar aggregate classification (germline): Uncertain significance (1 of 4 stars; one submission).

Conditions:
Inborn genetic diseases. Identifiers: MedGen C0950123, MeSH D030342.

Submission:

Ambry Genetics
Classification: Uncertain significance for Inborn genetic diseases. Last evaluated: 2023-01-26. Review status: criteria provided, single submitter. Criteria: Ambry Variant Classification Scheme 2023. Collection method: clinical testing. Allele origin: germline.
Comment: The p.Q181P variant (also known as c.542A>C), located in coding exon 5 of the BUB1B gene, results from an A to C substitution at nucleotide position 542. The glutamine at codon 181 is replaced by proline, an amino acid with similar properties. This amino acid position is conserved. In addition, this alteration is predicted to be tolerated by in silico analysis. Since supporting evidence is limited at this time, the clinical significance of this alteration remains unclear.

NM_001211.6(BUB1B):c.542A>C (p.Gln181Pro)

Gene: BUB1B (BUB1 mitotic checkpoint serine/threonine kinase B; plus strand). Cytogenetic location: 15q15.1.
Variant type: single nucleotide variant.
Coding change: c.542A>C on transcript NM_001211.6 (MANE Select); coding-DNA position 542, A replaced by C.
Protein change: p.Gln181Pro; replaces glutamine 181 with proline.
Molecular consequence: missense variant.
Genome position (GRCh38, 1-based): chr15:40,176,634, A>C. VCF-style: chr15-40176634-A-C. GRCh37 (hg19) VCF-style: chr15-40468835-A-C.
Other names: short protein forms Q181P.
Identifiers: ClinVar variation 2450831 (VCV002450831.2), dbSNP rs375798678, ClinGen allele CA391681421.
Genomic context (GRCh38, chr15:40,176,634, plus strand): 5'-AATATGAAGCTAGAGAAAACTTTAGGAAAGCAGATGCGATATTTCAGGAAGGGATTCAAC[A>C]GAAGGCTGAACCACTAGAAAGACTACAGTCCCAGCACCGGTAAACTTTCTTTGGAGCTTG-3'
Protein context (NP_001202.5, residues 171-191): ADAIFQEGIQ[Gln181Pro]KAEPLERLQS